The following is an entry in ClinVar:

ClinVar aggregate classification (germline): Conflicting classifications of pathogenicity. Review status: criteria provided, conflicting classifications (1 of 4 stars). 2 submissions from 2 submitters: Uncertain significance (1); Likely benign (1). Last evaluated 2024-10-27.

Conditions:
Dyskeratosis congenita. Identifiers: Orphanet 1775, MedGen C0265965, MONDO:0015780.
Inborn genetic diseases. Identifiers: MedGen C0950123, MeSH D030342.

Allele frequency attached by ClinVar (database versions not stated): gnomAD 0.00001; TOPMed 0.00002; ExAC 0.00003; gnomAD exomes 0.00003 and 0.00004; ESP Exome Variant Server 0.00017.
gnomAD v4.1: 53 of 1,604,996 alleles (0.0033%); highest among the groups gnomAD compares: South Asian, 0.011%; no homozygotes.

Submissions (2):

Labcorp Genetics (formerly Invitae), Labcorp
Classification: Uncertain significance for Dyskeratosis congenita. Last evaluated: 2024-10-27. Review status: criteria provided, single submitter. Criteria: Invitae Variant Classification Sherloc (09022015). Collection method: clinical testing. Allele origin: germline.
Comment: This sequence change replaces tyrosine, which is neutral and polar, with cysteine, which is neutral and slightly polar, at codon 764 of the CTC1 protein (p.Tyr764Cys). This variant is present in population databases (rs376729433, gnomAD 0.007%). This variant has not been reported in the literature in individuals affected with CTC1-related conditions. ClinVar contains an entry for this variant (Variation ID: 645691). Invitae Evidence Modeling of protein sequence and biophysical properties (such as structural, functional, and spatial information, amino acid conservation, physicochemical variation, residue mobility, and thermodynamic stability) indicates that this missense variant is not expected to disrupt CTC1 protein function with a negative predictive value of 80%. In summary, the available evidence is currently insufficient to determine the role of this variant in disease. Therefore, it has been classified as a Variant of Uncertain Significance.

Ambry Genetics
Classification: Likely benign for Inborn genetic diseases. Last evaluated: 2022-01-07. Review status: criteria provided, single submitter. Criteria: Ambry Variant Classification Scheme 2023. Collection method: clinical testing. Allele origin: germline.

NM_025099.6(CTC1):c.2291A>G (p.Tyr764Cys)

Gene: CTC1 (CST telomere replication complex component 1; minus strand). Cytogenetic location: 17p13.1.
Variant type: single nucleotide variant.
Coding change: c.2291A>G on transcript NM_025099.6 (MANE Select); coding-DNA position 2291, A replaced by G.
Protein change: p.Tyr764Cys; replaces tyrosine 764 with cysteine.
Molecular consequence: missense variant. On other transcripts: non-coding transcript variant (1).
Genome position (GRCh38, 1-based): chr17:8,231,997, T>C on the plus strand (A>G on the coding strand, the complement: CTC1 is on the minus strand). VCF-style: chr17-8231997-T-C. GRCh37 (hg19) VCF-style: chr17-8135315-T-C.
Other names: short protein forms Y764C.
Identifiers: ClinVar variation 645691 (VCV000645691.9), dbSNP rs376729433, ClinGen allele CA8372126.
Genomic context (GRCh38, chr17:8,231,997, plus strand): 5'-GGCAGCCCCCATCCAGTACCCTCCTTCCTCTGGGTGCCCCCAAGCCAGCTCCCCAACACA[T>C]AGAAACTGAGGGCGGGCTTGGGCACCTCTGGACTTGCTCCTGGGGGGACACAAAAATTAC-3'
Protein context (NP_079375.3, residues 754-774): PEVPKPALSF[Tyr764Cys]VLGSWLGGTQ